The following is an entry in ClinVar:

ClinVar aggregate classification (germline): Uncertain significance (1 of 4 stars; one submission).

gnomAD v4.1: 1 of 1,613,188 alleles (0.000062%); highest among the groups gnomAD compares: Non-Finnish European, 0.000085%; no homozygotes.

Submission:

GeneDx
Classification: Uncertain significance. Last evaluated: 2022-09-19. Review status: criteria provided, single submitter. Criteria: GeneDx Variant Classification Process June 2021. Collection method: clinical testing. Allele origin: germline. Affected: yes.
Comment: Not observed at significant frequency in large population cohorts (gnomAD); In silico analysis supports that this variant does not alter splicing; Has not been previously published as pathogenic or benign to our knowledge

NM_001127222.2(CACNA1A):c.762C>T (p.Thr254=)

Gene: CACNA1A (calcium voltage-gated channel subunit alpha1 A; minus strand). Cytogenetic location: 19p13.13.
Variant type: single nucleotide variant.
Coding change: c.762C>T on transcript NM_001127222.2 (MANE Select); coding-DNA position 762, C replaced by T.
Protein change: p.Thr254=; no amino-acid change (threonine 254 retained).
Molecular consequence: synonymous variant.
Genome position (GRCh38, 1-based): chr19:13,365,339, G>A on the plus strand (C>T on the coding strand, the complement: CACNA1A is on the minus strand). VCF-style: chr19-13365339-G-A. GRCh37 (hg19) VCF-style: chr19-13476153-G-A.
Other names: c.762C>T, p.Thr254= (NM_000068.4, NM_001127221.2, NM_001174080.2 and 1 more transcripts).
Identifiers: ClinVar variation 2444839 (VCV002444839.1), dbSNP rs2513175322, ClinGen allele CA505661284.